The following is an entry in ClinVar:

NM_000338.3(SLC12A1):c.3082G>A (p.Ala1028Thr)

Gene: SLC12A1 (solute carrier family 12 member 1; plus strand). Cytogenetic location: 15q21.1.
Variant type: single nucleotide variant.
Coding change: c.3082G>A on transcript NM_000338.3 (MANE Select); coding-DNA position 3082, G replaced by A.
Protein change: p.Ala1028Thr; replaces alanine 1028 with threonine.
Molecular consequence: missense variant.
Genome position (GRCh38, 1-based): chr15:48,299,261, G>A. VCF-style: chr15-48299261-G-A. GRCh37 (hg19) VCF-style: chr15-48591458-G-A.
Other names: c.3082G>A, p.Ala1028Thr (NM_001184832.2, NM_001384136.1); c.3082G>A (NM_000338.2); short protein forms A1028T.
Identifiers: ClinVar variation 1505930 (VCV001505930.4), dbSNP rs1488702965, ClinGen allele CA392321353.

ClinVar aggregate classification (germline): Uncertain significance. Review status: criteria provided, multiple submitters, no conflicts (2 of 4 stars). 2 submissions from 2 submitters: Uncertain significance (2). Last evaluated 2025-04-01.

Conditions:
Inborn genetic diseases. Identifiers: MedGen C0950123, MeSH D030342.

Allele frequency attached by ClinVar (database versions not stated): TOPMed below 0.00001; gnomAD exomes below 0.00001.
gnomAD v4.1: 1 of 1,598,304 alleles (0.000063%); highest among the groups gnomAD compares: Non-Finnish European, 0.000085%; no homozygotes.

Submissions (2):

Ambry Genetics
Classification: Uncertain significance for Inborn genetic diseases. Last evaluated: 2025-04-01. Review status: criteria provided, single submitter. Criteria: Ambry Variant Classification Scheme 2023. Collection method: clinical testing. Allele origin: germline.

Labcorp Genetics (formerly Invitae), Labcorp
Classification: Uncertain significance. Last evaluated: 2021-12-09. Review status: criteria provided, single submitter. Criteria: Invitae Variant Classification Sherloc (09022015). Collection method: clinical testing. Allele origin: germline.
Comment: This sequence change replaces alanine, which is neutral and non-polar, with threonine, which is neutral and polar, at codon 1028 of the SLC12A1 protein (p.Ala1028Thr). This variant is present in population databases (no rsID available, gnomAD 0.007%). This variant has not been reported in the literature in individuals affected with SLC12A1-related conditions. Algorithms developed to predict the effect of missense changes on protein structure and function output the following: SIFT: "Tolerated"; PolyPhen-2: "Benign"; Align-GVGD: "Class C0". The threonine amino acid residue is found in multiple mammalian species, which suggests that this missense change does not adversely affect protein function. In summary, the available evidence is currently insufficient to determine the role of this variant in disease. Therefore, it has been classified as a Variant of Uncertain Significance.